The following is an entry in ClinVar:

NM_033100.4(CDHR1):c.525+1G>A

Gene: CDHR1 (cadherin related family member 1; plus strand). Cytogenetic location: 10q23.1.
Variant type: single nucleotide variant.
Coding change: c.525+1G>A on transcript NM_033100.4 (MANE Select); the canonical splice donor site of the intron after coding-DNA position 525, G replaced by A.
Molecular consequence: splice donor variant.
Genome position (GRCh38, 1-based): chr10:84,200,688, G>A. VCF-style: chr10-84200688-G-A. GRCh37 (hg19) VCF-style: chr10-85960444-G-A.
Other names: c.525+1G>A (NM_001171971.3).
Identifiers: ClinVar variation 838681 (VCV000838681.11), dbSNP rs373412516, ClinGen allele CA5579559.

ClinVar aggregate classification (germline): Pathogenic/Likely pathogenic. Review status: criteria provided, multiple submitters, no conflicts (2 of 4 stars). 4 submissions from 4 submitters: Pathogenic (3); Likely pathogenic (1). Last evaluated 2026-02-23.

Conditions:
CDHR1-related disorder. Also called: CDHR1-related condition.
Cone-rod dystrophy 15 (CORD15). Identifiers: MedGen C3150912, MONDO:0013348, OMIM 613660.
CDHR1-related disorders.

Allele frequency attached by ClinVar (database versions not stated): gnomAD 0.00006; ESP Exome Variant Server 0.00008; TOPMed 0.00014.
gnomAD v4.1: 11 of 1,604,980 alleles (0.00069%); highest among the groups gnomAD compares: Admixed American, 0.017%; no homozygotes.

Submissions (4):

PreventionGenetics, part of Exact Sciences
Classification: Likely pathogenic for CDHR1-related condition. Last evaluated: 2026-02-23. Review status: criteria provided, single submitter. Criteria: ACMG Guidelines, 2015. Collection method: clinical testing. Allele origin: germline.
Comment: The CDHR1 c.525+1G>A variant is predicted to disrupt the GT donor site and interfere with normal splicing. This variant was reported along with a second CDHR1 variant in an individual with cone-rod dystrophy (Malechka et al. 2022. PubMed ID: 35627310). This variant is reported in 0.0030% of alleles in individuals of Latino descent in gnomAD. Variants that disrupt the consensus splice donor site in CDHR1 are expected to be pathogenic. This variant is interpreted as likely pathogenic.

Women's Health and Genetics/Laboratory Corporation of America, LabCorp
Classification: Pathogenic for Cone-rod dystrophy 15. Last evaluated: 2025-07-11. Review status: criteria provided, single submitter. Criteria: LabCorp Variant Classification Summary - May 2015. Collection method: clinical testing. Allele origin: germline.
Comment: Variant summary: CDHR1 c.525+1G>A is located in a canonical splice-site and is predicted to affect mRNA splicing resulting in a significantly altered protein due to either exon skipping, shortening, or inclusion of intronic material. Variants that disrupt the consensus splice site are a relatively common cause of aberrant splicing and loss of CDHR1 function. Several computational tools predict a significant impact on normal splicing: Four predict the variant abolishes a canonical 5' splicing donor site. However, these predictions have yet to be confirmed by functional studies. The variant allele was found at a frequency of 4.2e-06 in 237988 control chromosomes. c.525+1G>A has been observed in individual(s) affected with Cone-Rod Dystrophy 15 (Malechka_2022, Internal data). These data indicate that the variant may be associated with disease. The following publications have been ascertained in the context of this evaluation (PMID: 35627310, 35318874). ClinVar contains an entry for this variant (Variation ID: 838681). Based on the evidence outlined above, the variant was classified as pathogenic.

Labcorp Genetics (formerly Invitae), Labcorp
Classification: Pathogenic. Last evaluated: 2025-06-29. Review status: criteria provided, single submitter. Criteria: Invitae Variant Classification Sherloc (09022015). Collection method: clinical testing. Allele origin: germline.
Comment: This sequence change affects a donor splice site in intron 6 of the CDHR1 gene. It is expected to disrupt RNA splicing. Variants that disrupt the donor or acceptor splice site typically lead to a loss of protein function (PMID: 16199547), and loss-of-function variants in CDHR1 are known to be pathogenic (PMID: 23044944, 23591405, 26103963, 26261414). The frequency data for this variant in the population databases is considered unreliable, as metrics indicate poor data quality at this position in the gnomAD database. Disruption of this splice site has been observed in individuals with clinical features of inherited retinal disease (internal data). ClinVar contains an entry for this variant (Variation ID: 838681). Algorithms developed to predict the effect of sequence changes on RNA splicing suggest that this variant may disrupt the consensus splice site. For these reasons, this variant has been classified as Pathogenic.

Blueprint Genetics
Classification: Pathogenic for CDHR1-related disorders. Last evaluated: 2023-10-30. Review status: criteria provided, single submitter. Criteria: ACMG Guidelines, 2015. Collection method: clinical testing. Allele origin: germline. Affected: yes. Observed: 5 variant alleles.

Literature cited by the submitters: PubMed 35318874 (cited by Women's Health and Genetics/Laboratory Corporation of America, LabCorp); PubMed 35627310 (cited by Women's Health and Genetics/Laboratory Corporation of America, LabCorp); PubMed 16199547 (cited by Labcorp Genetics (formerly Invitae), Labcorp); PubMed 23044944 (cited by Labcorp Genetics (formerly Invitae), Labcorp); PubMed 23591405 (cited by Labcorp Genetics (formerly Invitae), Labcorp); PubMed 26103963 (cited by Labcorp Genetics (formerly Invitae), Labcorp); PubMed 26261414 (cited by Labcorp Genetics (formerly Invitae), Labcorp).